The following is an entry in ClinVar:

NM_014991.6(WDFY3):c.-9C>T

Gene: WDFY3 (WD repeat and FYVE domain containing 3; minus strand). Cytogenetic location: 4q21.23.
Variant type: single nucleotide variant.
Coding change: c.-9C>T on transcript NM_014991.6 (MANE Select); 9 bases upstream of the start codon, C replaced by T.
Molecular consequence: 5 prime UTR variant.
Genome position (GRCh38, 1-based): chr4:84,860,600, G>A on the plus strand (C>T on the coding strand, the complement: WDFY3 is on the minus strand). VCF-style: chr4-84860600-G-A. GRCh37 (hg19) VCF-style: chr4-85781753-G-A.
Identifiers: ClinVar variation 3043503 (VCV003043503.2), dbSNP rs745969868, ClinGen allele CA2994290.
Genomic context (GRCh38, chr4:84,860,600, plus strand): 5'-GGCTGCACTCCTCCTGCCTCGGCCGCCCCATGATCCTCTTCACCATGTTCATCTTGGCTG[G>A]TTGGTGAGACGCACTTCTAATTCTGTAGGAAAATGTCAATACATGAACAGTCAAAACATC-3'

ClinVar aggregate classification (germline): Likely benign (0 of 4 stars; one submission).

Conditions:
WDFY3-related disorder.

Allele frequency attached by ClinVar (database versions not stated): gnomAD exomes below 0.00001; ExAC 0.00001; gnomAD 0.00005; TOPMed 0.00010.
gnomAD v4.1: 15 of 1,592,974 alleles (0.00094%); highest among the groups gnomAD compares: Admixed American, 0.017%; no homozygotes.

Submission:

PreventionGenetics, part of Exact Sciences
Classification: Likely benign for WDFY3-related condition. Last evaluated: 2019-06-24. Review status: no assertion criteria provided. Collection method: clinical testing. Allele origin: germline.
Comment: This variant is classified as likely benign based on ACMG/AMP sequence variant interpretation guidelines (Richards et al. 2015 PMID: 25741868, with internal and published modifications).